The following is an entry in ClinVar:

NM_001036.6(RYR3):c.5591A>G (p.Lys1864Arg)

Gene: RYR3 (ryanodine receptor 3; plus strand). Cytogenetic location: 15q14.
Variant type: single nucleotide variant.
Coding change: c.5591A>G on transcript NM_001036.6 (MANE Select); coding-DNA position 5591, A replaced by G.
Protein change: p.Lys1864Arg; replaces lysine 1864 with arginine.
Molecular consequence: missense variant.
Genome position (GRCh38, 1-based): chr15:33,663,709, A>G. VCF-style: chr15-33663709-A-G. GRCh37 (hg19) VCF-style: chr15-33955910-A-G.
Other names: c.5591A>G, p.Lys1864Arg (NM_001243996.4); c.5591A>G (NM_001036.3); short protein forms K1864R.
Identifiers: ClinVar variation 1009381 (VCV001009381.9), dbSNP rs774589130, ClinGen allele CA7459290.

ClinVar aggregate classification (germline): Conflicting classifications of pathogenicity. Review status: criteria provided, conflicting classifications (1 of 4 stars). 2 submissions from 2 submitters: Uncertain significance (1); Likely benign (1). Last evaluated 2024-12-25.

Conditions:
Epileptic encephalopathy. Identifiers: MedGen C0543888, HP:0200134.

Allele frequency attached by ClinVar (database versions not stated): gnomAD 0.00001 and 0.00003; gnomAD exomes 0.00003 and 0.00005; TOPMed 0.00003; ExAC 0.00005.
gnomAD v4.1: 42 of 1,609,672 alleles (0.0026%); highest among the groups gnomAD compares: Admixed American, 0.0084%; no homozygotes.

Submissions (2):

Ambry Genetics
Classification: Likely benign. Last evaluated: 2024-12-25. Review status: criteria provided, single submitter. Criteria: Ambry Variant Classification Scheme 2023. Collection method: clinical testing. Allele origin: germline.

Labcorp Genetics (formerly Invitae), Labcorp
Classification: Uncertain significance for Epileptic encephalopathy. Last evaluated: 2022-08-23. Review status: criteria provided, single submitter. Criteria: Invitae Variant Classification Sherloc (09022015). Collection method: clinical testing. Allele origin: germline.
Comment: In summary, the available evidence is currently insufficient to determine the role of this variant in disease. Therefore, it has been classified as a Variant of Uncertain Significance. Algorithms developed to predict the effect of missense changes on protein structure and function output the following: SIFT: "Tolerated"; PolyPhen-2: "Benign"; Align-GVGD: "Class C0". The arginine amino acid residue is found in multiple mammalian species, which suggests that this missense change does not adversely affect protein function. ClinVar contains an entry for this variant (Variation ID: 1009381). This variant has not been reported in the literature in individuals affected with RYR3-related conditions. This variant is present in population databases (rs774589130, gnomAD 0.02%). This sequence change replaces lysine, which is basic and polar, with arginine, which is basic and polar, at codon 1864 of the RYR3 protein (p.Lys1864Arg).